The following is an entry in ClinVar:

NM_001009944.3(PKD1):c.3779T>G (p.Val1260Gly)

Gene: PKD1 (polycystin 1, transient receptor potential channel interacting; minus strand). Cytogenetic location: 16p13.3.
Variant type: single nucleotide variant.
Coding change: c.3779T>G on transcript NM_001009944.3 (MANE Select); coding-DNA position 3779, T replaced by G.
Protein change: p.Val1260Gly; replaces valine 1260 with glycine.
Molecular consequence: missense variant.
Genome position (GRCh38, 1-based): chr16:2,111,388, A>C on the plus strand (T>G on the coding strand, the complement: PKD1 is on the minus strand). VCF-style: chr16-2111388-A-C. GRCh37 (hg19) VCF-style: chr16-2161389-A-C.
Other names: c.3779T>G, p.Val1260Gly (NM_000296.4); c.3779T>G (NM_000296.3); short protein forms V1260G.
Identifiers: ClinVar variation 3352126 (VCV003352126.2).

ClinVar aggregate classification (germline): Uncertain significance. Review status: criteria provided, single submitter (1 of 4 stars). 2 submissions from 2 submitters: Uncertain significance (1). 1 of the submissions does not count toward it. Last evaluated 2025-04-07.

Conditions:
PKD1-related disorder. Also called: PKD1-related condition.
Inborn genetic diseases. Identifiers: MedGen C0950123, MeSH D030342.

gnomAD v4.1: 3 of 1,611,300 alleles (0.00019%); highest among the groups gnomAD compares: East Asian, 0.0067%; no homozygotes.

Submissions (2):

Ambry Genetics
Classification: Uncertain significance for Inborn genetic diseases. Last evaluated: 2025-04-07. Review status: criteria provided, single submitter. Criteria: Ambry Variant Classification Scheme 2023. Collection method: clinical testing. Allele origin: germline.

PreventionGenetics, part of Exact Sciences
Classification: Uncertain significance for PKD1-related condition. Last evaluated: 2024-04-10. Review status: no assertion criteria provided. Collection method: clinical testing. Allele origin: germline. Not counted in ClinVar's aggregate classification.
Comment: The PKD1 c.3779T>G variant is predicted to result in the amino acid substitution p.Val1260Gly. To our knowledge, this variant has not been reported in the literature. This variant is reported in 0.021% of alleles in individuals of East Asian descent in gnomAD. Of note, at this position is a glycine (Gly) in chimp. Although we suspect that this variant may be benign, at this time, the clinical significance of this variant is uncertain due to the absence of conclusive functional and genetic evidence.